The following is an entry in ClinVar:

ClinVar aggregate classification (germline): Uncertain significance (1 of 4 stars; one submission).

Conditions:
Cornelia de Lange syndrome 1 (CDLS1). Also called: NIPBL-Related Cornelia de Lange Syndrome; TYPUS DEGENERATIVUS AMSTELODAMENSIS; Brachmann de Lange syndrome. Identifiers: Orphanet 199, MedGen C4551851, MONDO:0007387, OMIM 122470.

Allele frequency attached by ClinVar (database versions not stated): gnomAD exomes below 0.00001; TOPMed below 0.00001.

Submission:

Victorian Clinical Genetics Services, Murdoch Childrens Research Institute
Classification: Uncertain significance for Cornelia de Lange syndrome 1. Last evaluated: 2020-05-21. Review status: criteria provided, single submitter. Criteria: ACMG Guidelines, 2015. Collection method: clinical testing. Allele origin: germline. Inheritance: Autosomal dominant inheritance. Affected: yes.
Comment: Based on the classification scheme VCGS_Germline_v1.1.1, this variant is classified as VUS – 3C. Following criteria are met: 0102 - Loss-of-function is a known mechanism of disease for this gene. (N) 0107 - This gene is known to be associated with autosomal dominant disease. (N) 0200 - Variant is predicted to result in a missense amino acid change from alanine to threonine (exon 31). (N) 0251 - Variant is heterozygous. (N) 0301 - Variant is absent from gnomAD. (P) 0503 - Missense variant consistently predicted to be tolerated or not conserved in mammals with a minor amino acid change. (B) 0604 - Variant is not located in an established domain, motif, hotspot or informative constraint region. (N) 0705 - No comparable variants have previous evidence for pathogenicity. (N) 0807 - Variant has not previously been reported in a clinical context. (N) 0905 - No segregation evidence has been identified for this variant. (N) 1007 - No published functional evidence has been identified for this variant. (N) 1208 - Inheritance information for this variant is not currently available. (N) Legend: (P) - Pathogenic, (N) - Neutral, (B) - Benign

NM_133433.4(NIPBL):c.5773G>A (p.Ala1925Thr)

Gene: NIPBL (NIPBL cohesin loading factor; plus strand). Cytogenetic location: 5p13.2.
Variant type: single nucleotide variant.
Coding change: c.5773G>A on transcript NM_133433.4 (MANE Select); coding-DNA position 5773, G replaced by A.
Protein change: p.Ala1925Thr; replaces alanine 1925 with threonine.
Molecular consequence: missense variant.
Genome position (GRCh38, 1-based): chr5:37,026,292, G>A. VCF-style: chr5-37026292-G-A. GRCh37 (hg19) VCF-style: chr5-37026394-G-A.
Other names: c.5773G>A, p.Ala1925Thr (NM_015384.5); short protein forms A1925T.
Identifiers: ClinVar variation 1805702 (VCV001805702.1), dbSNP rs1750256945, ClinGen allele CA359492280.